The following is an entry in ClinVar:

NM_001360016.2(G6PD):c.1288-14TC[2]

Gene: G6PD (glucose-6-phosphate dehydrogenase; minus strand). Cytogenetic location: Xq28.
Variant type: Microsatellite.
Coding change: c.1288-14TC[2] on transcript NM_001360016.2 (MANE Select); two copies in a row of the 2-base unit TC starting at c.1288-14; the reference has three copies in a row; one copy, 2 bases deleted.
Molecular consequence: intron variant.
Genome position (GRCh38, 1-based): chrX:154,532,471-154,532,472, GA deleted on the plus strand (TC on the coding strand, the reverse complement: G6PD is on the minus strand); deleting any 2 consecutive bases within chrX:154,532,471-154,532,477 gives the same sequence; the position shown is the placement nearest the transcript's 3' end. VCF-style (leftmost placement, unchanged base first): chrX-154532470-GGA-G. GRCh37 (hg19) VCF-style: chrX-153760685-GGA-G.
Other names: p.?; c.1288-10_1288-9del (NM_001042351.2, NM_001042351.3); c.1288-15_1288-14del (NM_001360016.2); c.1378-10_1378-9delTC (NM_000402.4); c.1378-14TC[2] (NM_000402.4); c.1288-14TC[2] (NM_001042351.3).
Identifiers: ClinVar variation 193829 (VCV000193829.38), dbSNP rs199586268, ClinGen allele CA200808.

ClinVar aggregate classification (germline): Benign/Likely benign. Review status: criteria provided, multiple submitters, no conflicts (2 of 4 stars). 7 submissions from 7 submitters: Benign (4); Likely benign (2). 1 of the submissions does not count toward it. Last evaluated 2026-02-03.

Conditions:
G6PD-related disorder. Also called: G6PD-related condition.
Anemia, nonspherocytic hemolytic, due to G6PD deficiency (CNSHA1). Also called: ANEMIA, CONGENITAL, NONSPHEROCYTIC HEMOLYTIC, 1; Hemolytic anemia due to G6PD deficiency; Class I glucose-6-phosphate dehydrogenase deficiency; Favism, susceptibility to. Identifiers: Orphanet 466026, MedGen C2720289, MONDO:0010480, OMIM 300908.

Submissions (8):

Labcorp Genetics (formerly Invitae), Labcorp
Classification: Benign for Anemia, nonspherocytic hemolytic, due to G6PD deficiency. Last evaluated: 2026-02-03. Review status: criteria provided, single submitter. Criteria: Invitae Variant Classification Sherloc (09022015). Collection method: clinical testing. Allele origin: germline.

Women's Health and Genetics/Laboratory Corporation of America, LabCorp
Classification: Benign. Last evaluated: 2026-01-22. Review status: criteria provided, single submitter. Criteria: LabCorp Variant Classification Summary - May 2015. Collection method: clinical testing. Allele origin: germline.

ARUP Laboratories, Molecular Genetics and Genomics, ARUP Laboratories
Classification: Benign. Last evaluated: 2025-05-12. Review status: criteria provided, single submitter. Criteria: ARUP Molecular Germline Variant Investigation Process 2024. Collection method: clinical testing. Allele origin: germline.

Blueprint Genetics
Classification: Likely benign. Last evaluated: 2024-11-25. Review status: criteria provided, single submitter. Criteria: ACMG Guidelines, 2015. Collection method: clinical testing. Allele origin: germline.

Mayo Clinic Laboratories, Mayo Clinic
Classification: Likely benign. Last evaluated: 2024-10-15. Review status: criteria provided, single submitter. Criteria: ACMG Guidelines, 2015. Collection method: clinical testing. Allele origin: germline. Observed: 21 variant alleles.
Comment: BP4, BP7

Eurofins Ntd Llc (ga)
Classification: Benign. Last evaluated: 2015-04-14. Review status: criteria provided, single submitter. Criteria: EGL Classification Definitions 2015. Collection method: clinical testing. Allele origin: germline. Observed: 2 variant alleles, 2 heterozygotes.

PreventionGenetics, part of Exact Sciences
Classification: Benign for G6PD-related condition. Last evaluated: 2019-05-23. Review status: no assertion criteria provided. Collection method: clinical testing. Allele origin: germline. Not counted in ClinVar's aggregate classification.
Comment: This variant is classified as benign based on ACMG/AMP sequence variant interpretation guidelines (Richards et al. 2015 PMID: 25741868, with internal and published modifications).

Dr. Peter K. Rogan Lab, Western University
No classification provided (evidence only). Condition: Familial cancer of breast. Review status: no classification provided. Collection method: in vitro. Allele origin: not applicable. Functional consequence: retained intron. Not counted in ClinVar's aggregate classification.